The following is an entry in ClinVar:

NM_001844.5(COL2A1):c.446G>A (p.Arg149His)

Gene: COL2A1 (collagen type II alpha 1 chain; minus strand). Cytogenetic location: 12q13.11.
Variant type: single nucleotide variant.
Coding change: c.446G>A on transcript NM_001844.5 (MANE Select); coding-DNA position 446, G replaced by A.
Protein change: p.Arg149His; replaces arginine 149 with histidine.
Molecular consequence: missense variant.
Genome position (GRCh38, 1-based): chr12:47,997,691, C>T on the plus strand (G>A on the coding strand, the complement: COL2A1 is on the minus strand). VCF-style: chr12-47997691-C-T. GRCh37 (hg19) VCF-style: chr12-48391474-C-T.
Other names: c.239G>A, p.Arg80His (NM_033150.3); short protein forms R149H, R80H.
Identifiers: ClinVar variation 1186037 (VCV001186037.19), dbSNP rs763538232, ClinGen allele CA6535929.

ClinVar aggregate classification (germline): Conflicting classifications of pathogenicity. Review status: criteria provided, conflicting classifications (1 of 4 stars). 5 submissions from 5 submitters: Uncertain significance (3); Benign (1); Likely benign (1). Last evaluated 2026-01-05.

Conditions:
Inborn genetic diseases. Identifiers: MedGen C0950123, MeSH D030342.
Spondyloperipheral dysplasia. Also called: SPONDYLOPERIPHERAL DYSPLASIA WITH SHORT ULNA; Spondyloperipheral dysplasia-short ulna syndrome. Identifiers: Orphanet 1856, MedGen C0796173, MONDO:0010078, OMIM 271700.

Allele frequency attached by ClinVar (database versions not stated): gnomAD 0.00002; gnomAD exomes 0.00002; ExAC 0.00004; TOPMed 0.00006.

Submissions (5):

Labcorp Genetics (formerly Invitae), Labcorp
Classification: Benign. Last evaluated: 2026-01-05. Review status: criteria provided, single submitter. Criteria: Invitae Variant Classification Sherloc (09022015). Collection method: clinical testing. Allele origin: germline.

GeneDx
Classification: Uncertain significance. Last evaluated: 2025-10-17. Review status: criteria provided, single submitter. Criteria: GeneDx Variant Classification Process June 2021. Collection method: clinical testing. Allele origin: germline. Affected: yes.
Comment: Has not been previously published as pathogenic or benign to our knowledge; Not located in the triple helical region, where the majority of pathogenic missense variants occur (HGMD); In silico analysis suggests that this missense variant does not alter protein structure/function

Women's Health and Genetics/Laboratory Corporation of America, LabCorp
Classification: Likely benign. Last evaluated: 2024-12-03. Review status: criteria provided, single submitter. Criteria: LabCorp Variant Classification Summary - May 2015. Collection method: clinical testing. Allele origin: germline.
Comment: Variant summary: COL2A1 c.446G>A (p.Arg149His) results in a non-conservative amino acid change located in the Collagen triple helix repeat (20 copies) (IPR008160) of the encoded protein sequence. Four of five in-silico tools predict a damaging effect of the variant on protein function. The variant allele was found at a frequency of 4e-05 in 249208 control chromosomes. The observed variant frequency is approximately 3- fold of the estimated maximal expected allele frequency for a pathogenic variant in COL2A1 causing Achondrogenesis, Type II phenotype (1.3e-05). To our knowledge, no occurrence of c.446G>A in individuals affected with Achondrogenesis, Type II and no experimental evidence demonstrating its impact on protein function have been reported. ClinVar contains an entry for this variant (Variation ID: 1186037). Based on the evidence outlined above, the variant was classified as likely benign.

Ambry Genetics
Classification: Uncertain significance for Inborn genetic diseases. Last evaluated: 2023-08-21. Review status: criteria provided, single submitter. Criteria: Ambry Variant Classification Scheme 2023. Collection method: clinical testing. Allele origin: germline.

Genetics and Molecular Pathology, SA Pathology
Classification: Uncertain significance for Spondyloperipheral dysplasia. Last evaluated: 2021-09-23. Review status: criteria provided, single submitter. Criteria: ACMG Guidelines, 2015. Collection method: clinical testing. Allele origin: germline. Affected: yes.